The following is an entry in ClinVar:

ClinVar aggregate classification (germline): Likely benign (1 of 4 stars; one submission).

Allele frequency attached by ClinVar (database versions not stated): gnomAD 0.00001; TOPMed 0.00001.
gnomAD v4.1: 33 of 1,405,190 alleles (0.0023%); highest among the groups gnomAD compares: East Asian, 0.003%; no homozygotes.

Submission:

CeGaT Center for Human Genetics Tuebingen
Classification: Likely benign. Last evaluated: 2022-09-01. Review status: criteria provided, single submitter. Criteria: CeGaT Center For Human Genetics Tuebingen Variant Classification Criteria Version 2. Collection method: clinical testing. Allele origin: germline. Affected: yes. Observed: 1 variant allele.
Comment: RYR1: BP4, BP7

NM_000540.3(RYR1):c.13293G>A (p.Pro4431=)

Genes: RYR1 (ryanodine receptor 1; plus strand), LOC130064357 (ATAC-STARR-seq lymphoblastoid silent region 10577; plus strand). Cytogenetic location: 19q13.2.
Variant type: single nucleotide variant.
Coding change: c.13293G>A on transcript NM_000540.3 (MANE Select); coding-DNA position 13293, G replaced by A.
Protein change: p.Pro4431=; no amino-acid change (proline 4431 retained).
Molecular consequence: synonymous variant.
Genome position (GRCh38, 1-based): chr19:38,565,627, G>A. VCF-style: chr19-38565627-G-A. GRCh37 (hg19) VCF-style: chr19-39056267-G-A.
Other names: c.13278G>A, p.Pro4426= (NM_001042723.2).
Identifiers: ClinVar variation 2649814 (VCV002649814.24), dbSNP rs1161719553, ClinGen allele CA507355920.